The following is an entry in ClinVar:

ClinVar aggregate classification (germline): Uncertain significance (1 of 4 stars; one submission).

Conditions:
Dyskeratosis congenita, autosomal recessive 5 (DKCB5). Identifiers: MedGen C3554656, MONDO:0014076, OMIM 615190.
Pulmonary fibrosis and/or bone marrow failure, Telomere-related, 3. Also called: PULMONARY FIBROSIS AND/OR BONE MARROW FAILURE SYNDROME, TELOMERE-RELATED, 3. Identifiers: Orphanet 2032, MedGen C4225346, MONDO:0014613, OMIM 616373.

Submission:

Labcorp Genetics (formerly Invitae), Labcorp
Classification: Uncertain significance for Dyskeratosis congenita, autosomal recessive 5; Pulmonary fibrosis and/or bone marrow failure, Telomere-related, 3. Last evaluated: 2023-06-06. Review status: criteria provided, single submitter. Criteria: Invitae Variant Classification Sherloc (09022015). Collection method: clinical testing. Allele origin: germline.
Comment: This sequence change replaces glutamine, which is neutral and polar, with glutamic acid, which is acidic and polar, at codon 954 of the RTEL1 protein (p.Gln954Glu). This variant is present in population databases (no rsID available, gnomAD 0.0009%). This variant has not been reported in the literature in individuals affected with RTEL1-related conditions. An algorithm developed to predict the effect of missense changes on protein structure and function (PolyPhen-2) suggests that this variant is likely to be disruptive. In summary, the available evidence is currently insufficient to determine the role of this variant in disease. Therefore, it has been classified as a Variant of Uncertain Significance.

NM_001283009.2(RTEL1):c.2860C>G (p.Gln954Glu)

Genes: RTEL1 (regulator of telomere elongation helicase 1; plus strand), RTEL1-TNFRSF6B (RTEL1-TNFRSF6B readthrough (NMD candidate); plus strand). Cytogenetic location: 20q13.33.
Variant type: single nucleotide variant.
Coding change: c.2860C>G on transcript NM_001283009.2 (MANE Select); coding-DNA position 2860, C replaced by G.
Protein change: p.Gln954Glu; replaces glutamine 954 with glutamic acid.
Molecular consequence: missense variant. On other transcripts: non-coding transcript variant (1).
Genome position (GRCh38, 1-based): chr20:63,693,151, C>G. VCF-style: chr20-63693151-C-G. GRCh37 (hg19) VCF-style: chr20-62324504-C-G.
Other names: c.2191C>G, p.Gln731Glu (NM_001283010.1); c.2860C>G, p.Gln954Glu (NM_016434.4); c.2932C>G, p.Gln978Glu (NM_032957.5); short protein forms Q954E, Q978E, Q731E.
Identifiers: ClinVar variation 2937860 (VCV002937860.3), dbSNP rs1159070520, ClinGen allele CA409683185.